The following is an entry in ClinVar:

ClinVar aggregate classification (germline): Likely benign. Review status: criteria provided, multiple submitters, no conflicts (2 of 4 stars). 2 submissions from 2 submitters: Likely benign (2). Last evaluated 2025-09-02.

Conditions:
Mendelian susceptibility to mycobacterial diseases due to complete IL12RB1 deficiency. Also called: IL12RB1 DEFICIENCY; Immunodeficiency 30. Identifiers: Orphanet 319552, MedGen C4013949, MONDO:0013955, OMIM 614891.

Allele frequency attached by ClinVar (database versions not stated): TOPMed below 0.00001; gnomAD 0.00002; gnomAD exomes 0.00002; ExAC 0.00003.
gnomAD v4.1: 30 of 1,612,936 alleles (0.0019%); highest among the groups gnomAD compares: Non-Finnish European, 0.0019%; no homozygotes.

Submissions (2):

Labcorp Genetics (formerly Invitae), Labcorp
Classification: Likely benign for Mendelian susceptibility to mycobacterial diseases due to complete IL12RB1 deficiency. Last evaluated: 2025-09-02. Review status: criteria provided, single submitter. Criteria: Invitae Variant Classification Sherloc (09022015). Collection method: clinical testing. Allele origin: germline.

CeGaT Center for Human Genetics Tuebingen
Classification: Likely benign. Last evaluated: 2024-06-01. Review status: criteria provided, single submitter. Criteria: CeGaT Center For Human Genetics Tuebingen Variant Classification Criteria Version 2. Collection method: clinical testing. Allele origin: germline. Affected: yes. Observed: 1 variant allele.
Comment: IL12RB1: BP4, BP7

NM_005535.3(IL12RB1):c.1653C>T (p.Ala551=)

Gene: IL12RB1 (interleukin 12 receptor subunit beta 1; minus strand). Cytogenetic location: 19p13.11.
Variant type: single nucleotide variant.
Coding change: c.1653C>T on transcript NM_005535.3 (MANE Select); coding-DNA position 1653, C replaced by T.
Protein change: p.Ala551=; no amino-acid change (alanine 551 retained).
Molecular consequence: synonymous variant.
Genome position (GRCh38, 1-based): chr19:18,062,243, G>A on the plus strand (C>T on the coding strand, the complement: IL12RB1 is on the minus strand). VCF-style: chr19-18062243-G-A. GRCh37 (hg19) VCF-style: chr19-18173053-G-A.
Other names: c.1653C>T, p.Ala551= (NM_001290023.2); c.1773C>T, p.Ala591= (NM_001290024.2).
Identifiers: ClinVar variation 1123248 (VCV001123248.27), dbSNP rs768958730, ClinGen allele CA9304745.
Genomic context (GRCh38, chr19:18,062,243, plus strand): 5'-GTTCAGGCCAAGGTAGCCAAGGACGCCCACGAGAAGGATGCTCAGGAAGCTCCCCAGGGA[G>A]GCGAAGAAGATGAGCCAATCAGAAACCTGCACTTCTGAGGTGGGAGAGCGTGGGTTGGCA-3'
Protein context (NP_005526.1, residues 541-561): VQVSDWLIFF[Ala551=]SLGSFLSILL